The following is an entry in ClinVar:

ClinVar aggregate classification (germline): Uncertain significance. Review status: criteria provided, multiple submitters, no conflicts (2 of 4 stars). 2 submissions from 2 submitters: Uncertain significance (2). Last evaluated 2021-12-13.

Conditions:
Inborn genetic diseases. Identifiers: MedGen C0950123, MeSH D030342.
Inflammatory skin and bowel disease, neonatal, 1. Identifiers: Orphanet 294023, MedGen C3280501, MONDO:0013693, OMIM 614328.

Allele frequency attached by ClinVar (database versions not stated): gnomAD exomes below 0.00001; ExAC 0.00001; gnomAD 0.00001; TOPMed 0.00005; ESP Exome Variant Server 0.00008.
gnomAD v4.1: 5 of 1,614,084 alleles (0.00031%); highest among the groups gnomAD compares: Non-Finnish European, 0.00042%; no homozygotes.

Submissions (2):

Ambry Genetics
Classification: Uncertain significance for Inborn genetic diseases. Last evaluated: 2021-12-13. Review status: criteria provided, single submitter. Criteria: Ambry Variant Classification Scheme 2023. Collection method: clinical testing. Allele origin: germline.

Labcorp Genetics (formerly Invitae), Labcorp
Classification: Uncertain significance for Inflammatory skin and bowel disease, neonatal, 1. Last evaluated: 2021-05-25. Review status: criteria provided, single submitter. Criteria: Invitae Variant Classification Sherloc (09022015). Collection method: clinical testing. Allele origin: germline.
Comment: This sequence change replaces aspartic acid with asparagine at codon 505 of the ADAM17 protein (p.Asp505Asn). The aspartic acid residue is moderately conserved and there is a small physicochemical difference between aspartic acid and asparagine. In summary, the available evidence is currently insufficient to determine the role of this variant in disease. Therefore, it has been classified as a Variant of Uncertain Significance. Algorithms developed to predict the effect of missense changes on protein structure and function output the following: SIFT: "Not Available"; PolyPhen-2: "Benign"; Align-GVGD: "Not Available". The asparagine amino acid residue is found in multiple mammalian species, suggesting that this missense change does not adversely affect protein function. These predictions have not been confirmed by published functional studies and their clinical significance is uncertain. This variant has not been reported in the literature in individuals with ADAM17-related conditions. This variant is present in population databases (rs372967979, ExAC 0.001%).

NM_003183.6(ADAM17):c.1513G>A (p.Asp505Asn)

Genes: ADAM17 (ADAM metallopeptidase domain 17; minus strand), IAH1 (isoamyl acetate hydrolyzing esterase 1 (putative); plus strand). Cytogenetic location: 2p25.1.
Variant type: single nucleotide variant.
Coding change: c.1513G>A on transcript NM_003183.6 (MANE Select); coding-DNA position 1513, G replaced by A.
Protein change: p.Asp505Asn; replaces aspartic acid 505 with asparagine.
Molecular consequence: missense variant.
Genome position (GRCh38, 1-based): chr2:9,505,197, C>T on the plus strand (G>A on the coding strand, the complement: ADAM17 is on the minus strand). VCF-style: chr2-9505197-C-T. GRCh37 (hg19) VCF-style: chr2-9645326-C-T.
Other names: c.853G>A, p.Asp285Asn (NM_001382777.1); c.616G>A, p.Asp206Asn (NM_001382778.1); c.1513G>A (NM_003183.4); short protein forms D206N, D285N, D505N.
Identifiers: ClinVar variation 1478238 (VCV001478238.7), dbSNP rs372967979, ClinGen allele CA1523490.